The following is an entry in ClinVar:

NM_021930.6(RINT1):c.1958T>C (p.Leu653Pro)

Genes: EFCAB10 (EF-hand calcium binding domain 10; minus strand), RINT1 (RAD50 interactor 1; plus strand). Cytogenetic location: 7q22.3.
Variant type: single nucleotide variant.
Coding change: c.1958T>C on transcript NM_021930.6 (MANE Select); coding-DNA position 1958, T replaced by C.
Protein change: p.Leu653Pro; replaces leucine 653 with proline.
Molecular consequence: missense variant. On other transcripts: 3 prime UTR variant (3), non-coding transcript variant (1).
Genome position (GRCh38, 1-based): chr7:105,565,348, T>C. VCF-style: chr7-105565348-T-C. GRCh37 (hg19) VCF-style: chr7-105205795-T-C.
Other names: c.*99A>G (NM_001355526.2); c.*201A>G (NM_001355530.2); c.*54A>G (NM_001355531.2); c.1724T>C, p.Leu575Pro (NM_001346599.2); c.935T>C, p.Leu312Pro (NM_001346600.2, NM_001346603.2); c.1034T>C, p.Leu345Pro (NM_001346601.2); short protein forms L575P, L312P, L345P, L653P.
Identifiers: ClinVar variation 4578231 (VCV004578231.1).
Genomic context (GRCh38, chr7:105,565,348, plus strand): 5'-TGCCATCTCAGTCAGAGCAGGCAGTGATGTCCCTGTCCAGTTCGGCTTGCCCGTTGCTGC[T>C]GACGTTACGAGACCATTTACTTCAGTTGGAGCAGCAGCTTTGTTTCTCCTTATTTAAAAT-3'
Protein context (NP_068749.3, residues 643-663): SLSSSACPLL[Leu653Pro]TLRDHLLQLE

ClinVar aggregate classification (germline): Uncertain significance (1 of 4 stars; one submission).

Submission:

Ambry Genetics
Classification: Uncertain significance. Last evaluated: 2025-12-10. Review status: criteria provided, single submitter. Criteria: Ambry Variant Classification Scheme 2023. Collection method: clinical testing. Allele origin: germline.
Comment: The p.L653P variant (also known as c.1958T>C), located in coding exon 13 of the RINT1 gene, results from a T to C substitution at nucleotide position 1958. The leucine at codon 653 is replaced by proline, an amino acid with similar properties. This amino acid position is conserved. In addition, the in silico prediction for this alteration is inconclusive. Based on the available evidence, the clinical significance of this variant remains unclear.